The following is an entry in ClinVar:

NM_001379500.1(COL18A1):c.3206_3216+702del

Genes: COL18A1 (collagen type XVIII alpha 1 chain; plus strand), SLC19A1 (solute carrier family 19 member 1; minus strand). Cytogenetic location: 21q22.3.
Variant type: Deletion.
Coding change: c.3206_3216+702del on transcript NM_001379500.1 (MANE Select); coding-DNA position 3206 through 702 bases into the intron after coding-DNA position 3216, 713 bases deleted.
Molecular consequence: splice donor variant.
Genome position (GRCh38, 1-based): chr21:45,505,956-45,506,668, 713 bases deleted. GRCh37 (hg19): chr21:46,925,870-46,926,582.
Other names: c.4451_4461+702del (NM_130444.3); c.3746_3756+702del (NM_030582.4).
Identifiers: ClinVar variation 1348869 (VCV001348869.6), dbSNP rs2146088508, ClinGen allele CA2573157817.

ClinVar aggregate classification (germline): Likely pathogenic (1 of 4 stars; one submission).

Submission:

Labcorp Genetics (formerly Invitae), Labcorp
Classification: Likely pathogenic. Last evaluated: 2024-01-04. Review status: criteria provided, single submitter. Criteria: Invitae Variant Classification Sherloc (09022015). Collection method: clinical testing. Allele origin: germline.
Comment: This variant results in the deletion of part of exon 37 (c.3197_3207+702del) of the COL18A1 gene. It is expected to disrupt RNA splicing. Variants that disrupt the donor or acceptor splice site typically lead to a loss of protein function (PMID: 16199547), and loss-of-function variants in COL18A1 are known to be pathogenic (PMID: 12415512, 25456301). This variant is not present in population databases (gnomAD no frequency). This variant has not been reported in the literature in individuals affected with COL18A1-related conditions. ClinVar contains an entry for this variant (Variation ID: 1348869). In summary, the currently available evidence indicates that the variant is pathogenic, but additional data are needed to prove that conclusively. Therefore, this variant has been classified as Likely Pathogenic.

Literature cited by the submitters: PubMed 16199547; PubMed 12415512; PubMed 25456301.